The following is an entry in ClinVar:

ClinVar aggregate classification (germline): Uncertain significance (1 of 4 stars; one submission).

Conditions:
Long QT syndrome (LQTS). Identifiers: MedGen C0023976, MeSH D008133, MONDO:0002442. Disease mechanism: loss of function. Inheritance: Various modes of inheritance.

Allele frequency attached by ClinVar (database versions not stated): gnomAD exomes below 0.00001; gnomAD 0.00001.
gnomAD v4.1: 2 of 1,598,360 alleles (0.00013%); highest among the groups gnomAD compares: Admixed American, 0.0033%; no homozygotes.

Submission:

Labcorp Genetics (formerly Invitae), Labcorp
Classification: Uncertain significance for Long QT syndrome. Last evaluated: 2023-04-06. Review status: criteria provided, single submitter. Criteria: Invitae Variant Classification Sherloc (09022015). Collection method: clinical testing. Allele origin: germline.
Comment: In summary, the available evidence is currently insufficient to determine the role of this variant in disease. Therefore, it has been classified as a Variant of Uncertain Significance. An algorithm developed to predict the effect of missense changes on protein structure and function (PolyPhen-2) suggests that this variant is likely to be tolerated. This variant has not been reported in the literature in individuals affected with AKAP9-related conditions. This variant is not present in population databases (gnomAD no frequency). This sequence change replaces aspartic acid, which is acidic and polar, with valine, which is neutral and non-polar, at codon 1316 of the AKAP9 protein (p.Asp1316Val).

NM_005751.5(AKAP9):c.3947A>T (p.Asp1316Val)

Gene: AKAP9 (A-kinase anchoring protein 9; plus strand). Cytogenetic location: 7q21.2.
Variant type: single nucleotide variant.
Coding change: c.3947A>T on transcript NM_005751.5 (MANE Select); coding-DNA position 3947, A replaced by T.
Protein change: p.Asp1316Val; replaces aspartic acid 1316 with valine.
Molecular consequence: missense variant.
Genome position (GRCh38, 1-based): chr7:92,022,347, A>T. VCF-style: chr7-92022347-A-T. GRCh37 (hg19) VCF-style: chr7-91651661-A-T.
Other names: c.3947A>T, p.Asp1316Val (NM_147185.3); short protein forms D1316V.
Identifiers: ClinVar variation 2867656 (VCV002867656.3), dbSNP rs1802439467, ClinGen allele CA368127618.